The following is an entry in ClinVar:

NC_000018.10:g.65529212_65551550dup

Variant type: Duplication.
Identifiers: ClinVar variation 157416 (VCV000157416.2).

ClinVar aggregate classification (germline): not provided (0 of 4 stars; one submission).

Conditions:
Gestational diabetes mellitus uncontrolled. Identifiers: MedGen C3532257.

Submission:

Institute of Molecular and Cell Biology, University of Tartu
No classification provided. Condition: Gestational diabetes mellitus uncontrolled. Review status: no classification provided. Collection method: case-control. Allele origin: unknown. Affected: yes. Study: Kasak2014.
Comment: The study aimed to determine the contribution of copy number variants in the genetic etiology of normal and complicated pregnancies. The samples represented (i) maternal blood DNA drawn from healthy pregnant women during 1st or 2nd trimester and (ii) maternal and paternal blood DNA drawn at term pregnancy cases representing normal and complicated gestations (severe preeclampsia, PE; gestational diabetes, GD; small-for-gestational age newborn, SGA; large-for-gestational age newborn, LGA). We performed CNV calling based on genome-wide genotyping dataset (Illumina HumanOmniExpress-24-v1 BeadChip) by applying three algorithms, QuantiSNP, GADA (Genome Alteration Detection Algorithm) and CNstream in parallel. The acquired CNV calls were merged with HD-CNV (Hotspot Detector for Copy Number Variants) program and only the CNVs predicted by at least two programs, were considered in subsequent analysis.

Literature cited by the submitters: PubMed 25666259.